The following is an entry in ClinVar:

ClinVar aggregate classification (germline): Conflicting classifications of pathogenicity. Review status: criteria provided, conflicting classifications (1 of 4 stars). 4 submissions from 4 submitters: Uncertain significance (3); Likely benign (1). Last evaluated 2025-08-17.

Conditions:
Ehlers-Danlos syndrome, classic type, 1 (EDSCL1). Also called: EDS I; EHLERS-DANLOS SYNDROME, GRAVIS TYPE; EHLERS-DANLOS SYNDROME, SEVERE CLASSIC TYPE; Ehlers-Danlos syndrome, type 1; Ehlers-Danlos Syndrome, Classic Type, COL5A1-Related. Identifiers: MedGen C0268335, MONDO:0019567, OMIM 130000.
Familial thoracic aortic aneurysm and aortic dissection (TAAD). Also called: Thoracic aortic aneurysms and dissections. Identifiers: Orphanet 91387, MedGen C4707243, MONDO:0019625.

Allele frequency attached by ClinVar (database versions not stated): gnomAD exomes below 0.00001 and 0.00002.
gnomAD v4.1: 33 of 1,613,958 alleles (0.002%); highest among the groups gnomAD compares: Non-Finnish European, 0.0027%; no homozygotes.

Submissions (4):

Labcorp Genetics (formerly Invitae), Labcorp
Classification: Likely benign for Ehlers-Danlos syndrome, classic type, 1. Last evaluated: 2025-08-17. Review status: criteria provided, single submitter. Criteria: Invitae Variant Classification Sherloc (09022015). Collection method: clinical testing. Allele origin: germline.

Ambry Genetics
Classification: Uncertain significance for Familial thoracic aortic aneurysm and aortic dissection. Last evaluated: 2024-09-19. Review status: criteria provided, single submitter. Criteria: Ambry Variant Classification Scheme 2023. Collection method: clinical testing. Allele origin: germline.
Comment: The p.V596A variant (also known as c.1787T>C), located in coding exon 16 of the COL5A1 gene, results from a T to C substitution at nucleotide position 1787. The valine at codon 596 is replaced by alanine, an amino acid with similar properties. This amino acid position is not well conserved in available vertebrate species. In addition, the in silico prediction for this alteration is inconclusive. Based on the available evidence, the clinical significance of this variant remains unclear.

Blueprint Genetics
Classification: Uncertain significance. Last evaluated: 2019-05-04. Review status: criteria provided, single submitter. Criteria: ACMG Guidelines, 2015. Collection method: clinical testing. Allele origin: germline.

GeneDx
Classification: Uncertain significance. Last evaluated: 2017-02-10. Review status: criteria provided, single submitter. Criteria: GeneDx Variant Classification (06012015). Collection method: clinical testing. Allele origin: germline. Affected: yes.
Comment: The V596A variant in the COL5A1 gene has not been reported previously as a pathogenic variant,nor as a benign variant, to our knowledge. The V596A variant is not observed in large populationcohorts (Lek et al., 2016; 1000 Genomes Consortium et al., 2015; Exome Variant Server). TheV596A variant is a conservative amino acid substitution, which occurs at a position that is notconserved. In silico analysis is inconsistent in its predictions as to whether or not the variant isdamaging to the protein structure/function. We interpret V596A as a variant of uncertain significance.

NM_000093.5(COL5A1):c.1787T>C (p.Val596Ala)

Gene: COL5A1 (collagen type V alpha 1 chain; plus strand). Cytogenetic location: 9q34.3.
Variant type: single nucleotide variant.
Coding change: c.1787T>C on transcript NM_000093.5 (MANE Select); coding-DNA position 1787, T replaced by C.
Protein change: p.Val596Ala; replaces valine 596 with alanine.
Molecular consequence: missense variant.
Genome position (GRCh38, 1-based): chr9:134,754,286, T>C. VCF-style: chr9-134754286-T-C. GRCh37 (hg19) VCF-style: chr9-137646132-T-C.
Other names: c.1787T>C, p.Val596Ala (NM_001278074.1); short protein forms V596A.
Identifiers: ClinVar variation 409111 (VCV000409111.13), dbSNP rs754773665, ClinGen allele CA16612514.
Genomic context (GRCh38, chr9:134,754,286, plus strand): 5'-GAGAAAGGCGGACTCGCCACTGACCCTTTGTCTCTTACCCCTGGCAGGGTCCTCGAGGTG[T>C]GCAAGGCCCGCCTGGTCCGGCCGGGAAGCCCGGAAGACGGGTGAGTGGTGCGAGTGTGTG-3'
Protein context (NP_000084.3, residues 586-606): GDVGPQGPRG[Val596Ala]QGPPGPAGKP